The following is an entry in ClinVar:

ClinVar aggregate classification (germline): Benign (1 of 4 stars; one submission).

Conditions:
ADRA2B-related disorder. Also called: ADRA2B-related condition.

Submission:

PreventionGenetics, part of Exact Sciences
Classification: Benign for ADRA2B-related condition. Last evaluated: 2020-03-17. Review status: criteria provided, single submitter. Criteria: ACMG Guidelines, 2015. Collection method: clinical testing. Allele origin: germline.
Comment: This variant is classified as benign based on ACMG/AMP sequence variant interpretation guidelines (Richards et al. 2015 PMID: 25741868, with internal and published modifications).

NM_000682.7(ADRA2B):c.894AGAGGAGGA[3] (p.Glu309_Cys310insGluGluGlu)

Gene: ADRA2B (adrenoceptor alpha 2B; minus strand). Cytogenetic location: 2q11.2.
Variant type: Microsatellite.
Coding change: c.894AGAGGAGGA[3] on transcript NM_000682.7 (MANE Select); three copies in a row of the 9-base unit AGAGGAGGA starting at c.894; the reference has two copies in a row; one copy, 9 bases duplicated.
Protein change: p.Glu309_Cys310insGluGluGlu.
Genome position (GRCh38, 1-based): chr2:96,115,239-96,115,247, TCCTCCTCT duplicated on the plus strand (AGAGGAGGA on the coding strand, the reverse complement: ADRA2B is on the minus strand); duplicating any 9 consecutive bases within chr2:96,115,239-96,115,258 gives the same sequence; the position shown is the placement nearest the transcript's 3' end. VCF-style (leftmost placement, unchanged base first): chr2-96115238-C-CTCCTCCTCT. GRCh37 (hg19) VCF-style: chr2-96780986-C-CTCCTCCTCTTCCTCCTCT.
Identifiers: ClinVar variation 3035246 (VCV003035246.1), dbSNP rs4066772, ClinGen allele CA52382139.